The following is an entry in ClinVar:

ClinVar aggregate classification (germline): Uncertain significance. Review status: criteria provided, multiple submitters, no conflicts (2 of 4 stars). 2 submissions from 2 submitters: Uncertain significance (2). Last evaluated 2025-01-17.

Conditions:
Inborn genetic diseases. Identifiers: MedGen C0950123, MeSH D030342.
Retinitis pigmentosa 71 (RP71). Identifiers: Orphanet 791, MedGen C4225342, MONDO:0014618, OMIM 616394.
Short-rib thoracic dysplasia 10 with or without polydactyly (SRTD10). Identifiers: Orphanet 474, MedGen C3810175, MONDO:0014284, OMIM 615630.

Allele frequency attached by ClinVar (database versions not stated): TOPMed 0.00001.
gnomAD v4.1: 1 of 1,614,108 alleles (0.000062%); highest among the groups gnomAD compares: Admixed American, 0.0017%; no homozygotes.

Submissions (2):

Ambry Genetics
Classification: Uncertain significance for Inborn genetic diseases. Last evaluated: 2025-01-17. Review status: criteria provided, single submitter. Criteria: Ambry Variant Classification Scheme 2023. Collection method: clinical testing. Allele origin: germline.

Labcorp Genetics (formerly Invitae), Labcorp
Classification: Uncertain significance for Retinitis pigmentosa 71; Short-rib thoracic dysplasia 10 with or without polydactyly. Last evaluated: 2022-01-12. Review status: criteria provided, single submitter. Criteria: Invitae Variant Classification Sherloc (09022015). Collection method: clinical testing. Allele origin: germline.
Comment: This sequence change replaces asparagine, which is neutral and polar, with lysine, which is basic and polar, at codon 1307 of the IFT172 protein (p.Asn1307Lys). This variant is present in population databases (no rsID available, gnomAD 0.01%). This variant has not been reported in the literature in individuals affected with IFT172-related conditions. ClinVar contains an entry for this variant (Variation ID: 840324). Algorithms developed to predict the effect of missense changes on protein structure and function are either unavailable or do not agree on the potential impact of this missense change (SIFT: "Deleterious"; PolyPhen-2: "Benign"; Align-GVGD: "Class C0"). In summary, the available evidence is currently insufficient to determine the role of this variant in disease. Therefore, it has been classified as a Variant of Uncertain Significance.

NM_015662.3(IFT172):c.3921C>G (p.Asn1307Lys)

Genes: IFT172 (intraflagellar transport 172; minus strand), LOC126806173 (BRD4-independent group 4 enhancer GRCh37_chr2:27676057-27677256; plus strand). Cytogenetic location: 2p23.3.
Variant type: single nucleotide variant.
Coding change: c.3921C>G on transcript NM_015662.3 (MANE Select); coding-DNA position 3921, C replaced by G.
Protein change: p.Asn1307Lys; replaces asparagine 1307 with lysine.
Molecular consequence: missense variant.
Genome position (GRCh38, 1-based): chr2:27,453,414, G>C on the plus strand (C>G on the coding strand, the complement: IFT172 is on the minus strand). VCF-style: chr2-27453414-G-C. GRCh37 (hg19) VCF-style: chr2-27676281-G-C.
Other names: c.3921C>G (NM_015662.1); short protein forms N1307K.
Identifiers: ClinVar variation 840324 (VCV000840324.8), dbSNP rs377211687, ClinGen allele CA346377641.